The following is an entry in ClinVar:

NM_000057.4(BLM):c.2474C>A (p.Pro825Gln)

Gene: BLM (BLM RecQ like helicase; plus strand). Cytogenetic location: 15q26.1.
Variant type: single nucleotide variant.
Coding change: c.2474C>A on transcript NM_000057.4 (MANE Select); coding-DNA position 2474, C replaced by A.
Protein change: p.Pro825Gln; replaces proline 825 with glutamine.
Molecular consequence: missense variant.
Genome position (GRCh38, 1-based): chr15:90,769,505, C>A. VCF-style: chr15-90769505-C-A. GRCh37 (hg19) VCF-style: chr15-91312735-C-A.
Other names: NC_000015.9:g.91312735C>A; c.2474C>A, p.Pro825Gln (NM_001287246.2, NM_001287247.2); c.1349C>A, p.Pro450Gln (NM_001287248.2); short protein forms P450Q, P825Q.
Identifiers: ClinVar variation 3261020 (VCV003261020.2).
Genomic context (GRCh38, chr15:90,769,505, plus strand): 5'-ATGATTTTCGTCAAGATTACAAAAGAATGAATATGCTTCGCCAGAAGTTTCCTTCTGTTC[C>A]GGTGATGGCTCTTACGGCCACAGCTAATCCCAGGGTACAGAAGGACATCCTGACTCAGCT-3'
Protein context (NP_000048.1, residues 815-835): NMLRQKFPSV[Pro825Gln]VMALTATANP

ClinVar aggregate classification (germline): Uncertain significance (1 of 4 stars; one submission).

Conditions:
Hereditary cancer-predisposing syndrome. Also called: Hereditary Cancer Syndrome; Tumor predisposition; Hereditary neoplastic syndrome; Neoplastic Syndromes, Hereditary. Identifiers: Orphanet 140162, MedGen C0027672, MeSH D009386, MONDO:0015356.

Submissions (2):

Ambry Genetics
Classification: Uncertain significance for Hereditary cancer-predisposing syndrome. Last evaluated: 2024-04-01. Review status: criteria provided, single submitter. Criteria: Ambry Variant Classification Scheme 2023. Collection method: clinical testing. Allele origin: germline.
Comment: The p.P825Q variant (also known as c.2474C>A), located in coding exon 11 of the BLM gene, results from a C to A substitution at nucleotide position 2474. The proline at codon 825 is replaced by glutamine, an amino acid with similar properties. This amino acid position is conserved. In addition, this alteration is predicted to be tolerated by in silico analysis. Based on the available evidence, the clinical significance of this alteration remains unclear.

Dr. Peter K. Rogan Lab, Western University
No classification provided (evidence only). Condition: Melanoma. Review status: no classification provided. Collection method: in vitro. Allele origin: not applicable. Functional consequence: retained intron. Not counted in ClinVar's aggregate classification.